The following is an entry in ClinVar:

ClinVar aggregate classification (germline): Uncertain significance (1 of 4 stars; one submission).

Conditions:
Bethlem myopathy 1A. Also called: MYOPATHY, BENIGN CONGENITAL, WITH CONTRACTURES; Bethlem myopathy 1; Bethlem Muscular Dystrophy. Identifiers: Orphanet 610, MedGen CN029274, MONDO:0024530, OMIM 158810.

Submission:

Labcorp Genetics (formerly Invitae), Labcorp
Classification: Uncertain significance for Bethlem myopathy 1A. Last evaluated: 2024-11-13. Review status: criteria provided, single submitter. Criteria: Invitae Variant Classification Sherloc (09022015). Collection method: clinical testing. Allele origin: germline.
Comment: This sequence change replaces aspartic acid, which is acidic and polar, with asparagine, which is neutral and polar, at codon 2295 of the COL6A3 protein (p.Asp2295Asn). This variant is not present in population databases (gnomAD no frequency). This variant has not been reported in the literature in individuals affected with COL6A3-related conditions. Invitae Evidence Modeling of protein sequence and biophysical properties (such as structural, functional, and spatial information, amino acid conservation, physicochemical variation, residue mobility, and thermodynamic stability) indicates that this missense variant is not expected to disrupt COL6A3 protein function with a negative predictive value of 80%. In summary, the available evidence is currently insufficient to determine the role of this variant in disease. Therefore, it has been classified as a Variant of Uncertain Significance.

NM_004369.4(COL6A3):c.6883G>A (p.Asp2295Asn)

Gene: COL6A3 (collagen type VI alpha 3 chain; minus strand). Cytogenetic location: 2q37.3.
Variant type: single nucleotide variant.
Coding change: c.6883G>A on transcript NM_004369.4 (MANE Select); coding-DNA position 6883, G replaced by A.
Protein change: p.Asp2295Asn; replaces aspartic acid 2295 with asparagine.
Molecular consequence: missense variant.
Genome position (GRCh38, 1-based): chr2:237,348,660, C>T on the plus strand (G>A on the coding strand, the complement: COL6A3 is on the minus strand). VCF-style: chr2-237348660-C-T. GRCh37 (hg19) VCF-style: chr2-238257303-C-T.
Other names: c.5062G>A, p.Asp1688Asn (NM_057166.5); c.6265G>A, p.Asp2089Asn (NM_057167.4); short protein forms D2089N, D1688N, D2295N.
Identifiers: ClinVar variation 3666595 (VCV003666595.2).